The following is an entry in ClinVar:

ClinVar aggregate classification (germline): Uncertain significance. Review status: criteria provided, multiple submitters, no conflicts (2 of 4 stars). 3 submissions from 3 submitters: Uncertain significance (3). Last evaluated 2023-12-29.

Conditions:
Microcephaly, normal intelligence and immunodeficiency (NBS). Also called: Nijmegen breakage syndrome; Microcephaly with normal intelligence immunodeficiency and lymphoreticular malignancies; Nonsyndromal microcephaly autosomal recessive with normal intelligence; Seemanova syndrome 2; Immunodeficiency, microcephaly with normal intelligence; Ataxia telangiectasia variant V1. Identifiers: Orphanet 647, MedGen C0398791, MONDO:0009623, OMIM 251260.
Hereditary cancer-predisposing syndrome. Also called: Hereditary Cancer Syndrome; Neoplastic Syndromes, Hereditary; Hereditary neoplastic syndrome; Tumor predisposition. Identifiers: Orphanet 140162, MedGen C0027672, MeSH D009386, MONDO:0015356.

Allele frequency attached by ClinVar (database versions not stated): gnomAD exomes below 0.00001; TOPMed below 0.00001.
gnomAD v4.1: 2 of 1,612,858 alleles (0.00012%); highest among the groups gnomAD compares: South Asian, 0.0022%; no homozygotes.

Submissions (3):

Ambry Genetics
Classification: Uncertain significance for Hereditary cancer-predisposing syndrome. Last evaluated: 2023-12-29. Review status: criteria provided, single submitter. Criteria: Ambry Variant Classification Scheme 2023. Collection method: clinical testing. Allele origin: germline.
Comment: The p.L490S variant (also known as c.1469T>C), located in coding exon 11 of the NBN gene, results from a T to C substitution at nucleotide position 1469. The leucine at codon 490 is replaced by serine, an amino acid with dissimilar properties. This amino acid position is well conserved in available vertebrate species. In addition, this alteration is predicted to be tolerated by in silico analysis. Since supporting evidence is limited at this time, the clinical significance of this alteration remains unclear.

Labcorp Genetics (formerly Invitae), Labcorp
Classification: Uncertain significance for Microcephaly, normal intelligence and immunodeficiency. Last evaluated: 2022-09-01. Review status: criteria provided, single submitter. Criteria: Invitae Variant Classification Sherloc (09022015). Collection method: clinical testing. Allele origin: germline.
Comment: This sequence change replaces leucine, which is neutral and non-polar, with serine, which is neutral and polar, at codon 490 of the NBN protein (p.Leu490Ser). This variant is not present in population databases (gnomAD no frequency). This variant has not been reported in the literature in individuals affected with NBN-related conditions. ClinVar contains an entry for this variant (Variation ID: 819296). Algorithms developed to predict the effect of missense changes on protein structure and function output the following: SIFT: "Tolerated"; PolyPhen-2: "Benign"; Align-GVGD: "Class C0". The serine amino acid residue is found in multiple mammalian species, which suggests that this missense change does not adversely affect protein function. RNA analysis performed to evaluate the impact of this missense change on mRNA splicing indicates it does not significantly alter splicing (Invitae). In summary, the available evidence is currently insufficient to determine the role of this variant in disease. Therefore, it has been classified as a Variant of Uncertain Significance.

Genome-Nilou Lab
Classification: Uncertain significance for Microcephaly, normal intelligence and immunodeficiency. Last evaluated: 2021-11-07. Review status: criteria provided, single submitter. Criteria: ACMG Guidelines, 2015. Collection method: clinical testing. Allele origin: germline. Affected: no.

NM_002485.5(NBN):c.1469T>C (p.Leu490Ser)

Gene: NBN (nibrin; minus strand). Cytogenetic location: 8q21.3.
Variant type: single nucleotide variant.
Coding change: c.1469T>C on transcript NM_002485.5 (MANE Select); coding-DNA position 1469, T replaced by C.
Protein change: p.Leu490Ser; replaces leucine 490 with serine.
Molecular consequence: missense variant.
Genome position (GRCh38, 1-based): chr8:89,953,620, A>G on the plus strand (T>C on the coding strand, the complement: NBN is on the minus strand). VCF-style: chr8-89953620-A-G. GRCh37 (hg19) VCF-style: chr8-90965848-A-G.
Other names: c.1223T>C, p.Leu408Ser (NM_001024688.3); short protein forms L490S, L408S.
Identifiers: ClinVar variation 819296 (VCV000819296.13), dbSNP rs1586054565, ClinGen allele CA371655790.